The following is an entry in ClinVar:

ClinVar aggregate classification (germline): Conflicting classifications of pathogenicity. Review status: criteria provided, conflicting classifications (1 of 4 stars). 3 submissions from 3 submitters: Uncertain significance (2); Likely benign (1). Last evaluated 2024-11-04.

Conditions:
Inborn genetic diseases. Identifiers: MedGen C0950123, MeSH D030342.

Allele frequency attached by ClinVar (database versions not stated): ExAC 0.00002; gnomAD exomes 0.00002 and 0.00005.
gnomAD v4.1: 65 of 1,609,400 alleles (0.004%); highest among the groups gnomAD compares: Non-Finnish European, 0.0054%; no homozygotes.

Submissions (3):

GeneDx
Classification: Uncertain significance. Last evaluated: 2024-11-04. Review status: criteria provided, single submitter. Criteria: GeneDx Variant Classification Process June 2021. Collection method: clinical testing. Allele origin: germline. Affected: yes.
Comment: Has not been previously published as pathogenic or benign to our knowledge; Not observed at a significant frequency in large population cohorts (gnomAD); In silico analysis supports that this missense variant has a deleterious effect on protein structure/function

Labcorp Genetics (formerly Invitae), Labcorp
Classification: Likely benign. Last evaluated: 2024-04-17. Review status: criteria provided, single submitter. Criteria: Invitae Variant Classification Sherloc (09022015). Collection method: clinical testing. Allele origin: germline.

Ambry Genetics
Classification: Uncertain significance for Inborn genetic diseases. Last evaluated: 2024-03-15. Review status: criteria provided, single submitter. Criteria: Ambry Variant Classification Scheme 2023. Collection method: clinical testing. Allele origin: germline.

NM_080680.3(COL11A2):c.2651C>T (p.Pro884Leu)

Gene: COL11A2 (collagen type XI alpha 2 chain; minus strand). Cytogenetic location: 6p21.32.
Variant type: single nucleotide variant.
Coding change: c.2651C>T on transcript NM_080680.3 (MANE Select); coding-DNA position 2651, C replaced by T.
Protein change: p.Pro884Leu; replaces proline 884 with leucine.
Molecular consequence: missense variant.
Genome position (GRCh38, 1-based): chr6:33,173,533, G>A on the plus strand (C>T on the coding strand, the complement: COL11A2 is on the minus strand). VCF-style: chr6-33173533-G-A. GRCh37 (hg19) VCF-style: chr6-33141310-G-A.
Other names: c.2330C>T, p.Pro777Leu (NM_080679.3); c.2393C>T, p.Pro798Leu (NM_080681.3); c.2651C>T (NM_080680.2); short protein forms P777L, P798L, P884L.
Identifiers: ClinVar variation 1364622 (VCV001364622.10), dbSNP rs750723746, ClinGen allele CA3750784.